The following is an entry in ClinVar:

ClinVar aggregate classification (germline): Uncertain significance (1 of 4 stars; one submission).

Conditions:
Developmental and epileptic encephalopathy, 12 (DEE12). Identifiers: MedGen C3150988, MONDO:0013389, OMIM 613722.

gnomAD v4.1: 6 of 1,614,038 alleles (0.00037%); highest among the groups gnomAD compares: Non-Finnish European, 0.00051%; no homozygotes.

Submission:

Labcorp Genetics (formerly Invitae), Labcorp
Classification: Uncertain significance for Developmental and epileptic encephalopathy, 12. Last evaluated: 2024-11-11. Review status: criteria provided, single submitter. Criteria: Invitae Variant Classification Sherloc (09022015). Collection method: clinical testing. Allele origin: germline.
Comment: This sequence change replaces tyrosine, which is neutral and polar, with phenylalanine, which is neutral and non-polar, at codon 196 of the PNKP protein (p.Tyr196Phe). This variant is present in population databases (rs138931842, gnomAD 0.0009%). This variant has not been reported in the literature in individuals affected with PNKP-related conditions. ClinVar contains an entry for this variant (Variation ID: 939703). Invitae Evidence Modeling of protein sequence and biophysical properties (such as structural, functional, and spatial information, amino acid conservation, physicochemical variation, residue mobility, and thermodynamic stability) indicates that this missense variant is not expected to disrupt PNKP protein function with a negative predictive value of 80%. In summary, the available evidence is currently insufficient to determine the role of this variant in disease. Therefore, it has been classified as a Variant of Uncertain Significance.

NM_007254.4(PNKP):c.587A>T (p.Tyr196Phe)

Gene: PNKP (polynucleotide kinase 3'-phosphatase; minus strand). Cytogenetic location: 19q13.33.
Variant type: single nucleotide variant.
Coding change: c.587A>T on transcript NM_007254.4 (MANE Select); coding-DNA position 587, A replaced by T.
Protein change: p.Tyr196Phe; replaces tyrosine 196 with phenylalanine.
Molecular consequence: missense variant.
Genome position (GRCh38, 1-based): chr19:49,864,228, T>A on the plus strand (A>T on the coding strand, the complement: PNKP is on the minus strand). VCF-style: chr19-49864228-T-A. GRCh37 (hg19) VCF-style: chr19-50367485-T-A.
Other names: short protein forms Y196F.
Identifiers: ClinVar variation 939703 (VCV000939703.10), dbSNP rs138931842, ClinGen allele CA9586878.